The following is an entry in ClinVar:

NM_000195.5(HPS1):c.937+1G>A

Gene: HPS1 (HPS1 biogenesis of lysosomal organelles complex 3 subunit 1; minus strand). Cytogenetic location: 10q24.2.
Variant type: single nucleotide variant.
Coding change: c.937+1G>A on transcript NM_000195.5 (MANE Select); the canonical splice donor site of the intron after coding-DNA position 937, G replaced by A.
Molecular consequence: splice donor variant. On other transcripts: missense variant (4).
Genome position (GRCh38, 1-based): chr10:98,429,572, C>T on the plus strand (G>A on the coding strand, the complement: HPS1 is on the minus strand). VCF-style: chr10-98429572-C-T. GRCh37 (hg19) VCF-style: chr10-100189329-C-T.
Other names: c.820G>A, p.Val274Met (NM_001322490.2); c.839G>A, p.Gly280Asp (NM_001322491.2); c.721G>A, p.Val241Met (NM_001322492.2); c.938G>A, p.Gly313Asp (NM_182639.4); c.568+1G>A (NM_001322483.2, NM_001322484.2); c.676+1G>A (NM_001322480.2, NM_001322481.2); c.838+1G>A (NM_001322478.2, NM_001322479.2); c.937+1G>A (NM_001322476.2, NM_001322477.2); and 3 more; short protein forms G280D, G313D, V241M, V274M.
Identifiers: ClinVar variation 3241742 (VCV003241742.3), dbSNP rs1846089676.
Genomic context (GRCh38, chr10:98,429,572, plus strand): 5'-CCTGGGCTGCCTGTCGCTCGCAGCTAGCTATTGTTTCCTCCTGCTTTCCTCCGGTCCTCA[C>T]CTGAGCTCTGATCGCCAGGGGAAGGAGCTGGTGTGAAGTACTCCTCAGGGAGGGAGAAGC-3'

ClinVar aggregate classification (germline): Likely pathogenic. Review status: criteria provided, multiple submitters, no conflicts (2 of 4 stars). 2 submissions from 2 submitters: Likely pathogenic (2). Last evaluated 2024-02-01.

Conditions:
Hermansky-Pudlak syndrome 1 (HPS1). Also called: DELTA STORAGE POOL DISEASE. Identifiers: Orphanet 231500, Orphanet 79430, MedGen C2931875, MONDO:0008748, OMIM 203300.

Submissions (2):

Labcorp Genetics (formerly Invitae), Labcorp
Classification: Likely pathogenic. Last evaluated: 2024-02-01. Review status: criteria provided, single submitter. Criteria: Invitae Variant Classification Sherloc (09022015). Collection method: clinical testing. Allele origin: germline.
Comment: This sequence change affects a donor splice site in intron 10 of the HPS1 gene. It is expected to disrupt RNA splicing. Variants that disrupt the donor or acceptor splice site typically lead to a loss of protein function (PMID: 16199547), and loss-of-function variants in HPS1 are known to be pathogenic (PMID: 12442288, 16185271). This variant is not present in population databases (gnomAD no frequency). This variant has not been reported in the literature in individuals affected with HPS1-related conditions. Algorithms developed to predict the effect of sequence changes on RNA splicing suggest that this variant may disrupt the consensus splice site. In summary, the currently available evidence indicates that the variant is pathogenic, but additional data are needed to prove that conclusively. Therefore, this variant has been classified as Likely Pathogenic.

Baylor Genetics
Classification: Likely pathogenic for Hermansky-Pudlak syndrome 1. Last evaluated: 2024-01-10. Review status: criteria provided, single submitter. Criteria: ACMG Guidelines, 2015. Collection method: clinical testing. Allele origin: unknown.

Literature cited by the submitters: PubMed 16199547 (cited by Labcorp Genetics (formerly Invitae), Labcorp); PubMed 12442288 (cited by Labcorp Genetics (formerly Invitae), Labcorp); PubMed 16185271 (cited by Labcorp Genetics (formerly Invitae), Labcorp).